The following is an entry in ClinVar:

ClinVar aggregate classification (germline): Likely pathogenic (1 of 4 stars; one submission).

Conditions:
Rhabdoid tumor predisposition syndrome 2 (RTPS2). Identifiers: Orphanet 231108, Orphanet 69077, MedGen C2750074, MONDO:0013224, OMIM 613325.

Submission:

Labcorp Genetics (formerly Invitae), Labcorp
Classification: Likely pathogenic for Rhabdoid tumor predisposition syndrome 2. Last evaluated: 2024-04-13. Review status: criteria provided, single submitter. Criteria: Invitae Variant Classification Sherloc (09022015). Collection method: clinical testing. Allele origin: germline.
Comment: This sequence change affects an acceptor splice site in intron 17 of the SMARCA4 gene. It is expected to disrupt RNA splicing. Variants that disrupt the donor or acceptor splice site typically lead to a loss of protein function (PMID: 16199547), and loss-of-function variants in SMARCA4 are known to be pathogenic (PMID: 24658001, 24658002). This variant is not present in population databases (gnomAD no frequency). This variant has not been reported in the literature in individuals affected with SMARCA4-related conditions. Algorithms developed to predict the effect of sequence changes on RNA splicing suggest that this variant may disrupt the consensus splice site. In summary, the currently available evidence indicates that the variant is pathogenic, but additional data are needed to prove that conclusively. Therefore, this variant has been classified as Likely Pathogenic.

Literature cited by the submitters: PubMed 16199547; PubMed 24658001; PubMed 24658002.

NM_003072.5(SMARCA4):c.2506-1G>T

Gene: SMARCA4 (SWI/SNF related BAF chromatin remodeling complex subunit ATPase 4; plus strand). Cytogenetic location: 19p13.2.
Variant type: single nucleotide variant.
Coding change: c.2506-1G>T on transcript NM_003072.5 (MANE Select); the canonical splice acceptor site of the intron before coding-DNA position 2506, G replaced by T.
Molecular consequence: splice acceptor variant.
Genome position (GRCh38, 1-based): chr19:11,019,590, G>T. VCF-style: chr19-11019590-G-T. GRCh37 (hg19) VCF-style: chr19-11130266-G-T.
Other names: c.2506-1G>T (NM_001128844.3, NM_001128849.3, NM_001128847.4 and 6 more transcripts).
Identifiers: ClinVar variation 3649748 (VCV003649748.2).